The following is an entry in ClinVar:

NM_000274.4(OAT):c.644T>C (p.Leu215Pro)

Gene: OAT (ornithine aminotransferase; minus strand). Cytogenetic location: 10q26.13.
Variant type: single nucleotide variant.
Coding change: c.644T>C on transcript NM_000274.4 (MANE Select); coding-DNA position 644, T replaced by C.
Protein change: p.Leu215Pro; replaces leucine 215 with proline.
Molecular consequence: missense variant.
Genome position (GRCh38, 1-based): chr10:124,405,440, A>G on the plus strand (T>C on the coding strand, the complement: OAT is on the minus strand). VCF-style: chr10-124405440-A-G. GRCh37 (hg19) VCF-style: chr10-126094009-A-G.
Other names: c.230T>C, p.Leu77Pro (NM_001171814.2); c.644T>C, p.Leu215Pro (NM_001322965.2, NM_001322966.2, NM_001322967.2 and 3 more transcripts); c.323T>C, p.Leu108Pro (NM_001322971.2); c.44T>C, p.Leu15Pro (NM_001322974.2); short protein forms L108P, L15P, L215P, L77P.
Identifiers: ClinVar variation 3900856 (VCV003900856.2).

ClinVar aggregate classification (germline): Uncertain significance. Review status: criteria provided, multiple submitters, no conflicts (2 of 4 stars). 2 submissions from 2 submitters: Uncertain significance (2). Last evaluated 2025-06-04.

Conditions:
Ornithine aminotransferase deficiency (GACR). Also called: Ornithine ketoacid aminotransferase deficiency; Gyrate atrophy; Gyrate atrophy of choroid and retina; Girate atrophy of the retina; HYPERORNITHINEMIA WITH GYRATE ATROPHY OF CHOROID AND RETINA; OAT DEFICIENCY. Identifiers: Orphanet 414, MedGen C0018425, MONDO:0009796, OMIM 258870.

Submissions (2):

Labcorp Genetics (formerly Invitae), Labcorp
Classification: Uncertain significance for Ornithine aminotransferase deficiency. Last evaluated: 2025-06-04. Review status: criteria provided, single submitter. Criteria: Invitae Variant Classification Sherloc (09022015). Collection method: clinical testing. Allele origin: germline.
Comment: This sequence change replaces leucine, which is neutral and non-polar, with proline, which is neutral and non-polar, at codon 215 of the OAT protein (p.Leu215Pro). This variant is not present in population databases (gnomAD no frequency). This variant has not been reported in the literature in individuals affected with OAT-related conditions. Invitae Evidence Modeling of protein sequence and biophysical properties (such as structural, functional, and spatial information, amino acid conservation, physicochemical variation, residue mobility, and thermodynamic stability) indicates that this missense variant is expected to disrupt OAT protein function with a positive predictive value of 80%. In summary, the available evidence is currently insufficient to determine the role of this variant in disease. Therefore, it has been classified as a Variant of Uncertain Significance.

GeneDx
Classification: Uncertain significance. Last evaluated: 2024-11-27. Review status: criteria provided, single submitter. Criteria: GeneDx Variant Classification Process June 2021. Collection method: clinical testing. Allele origin: germline. Affected: yes.
Comment: Not observed at significant frequency in large population cohorts (gnomAD); In silico analysis supports that this missense variant has a deleterious effect on protein structure/function; Has not been previously published as pathogenic or benign to our knowledge